The following is an entry in ClinVar:

ClinVar aggregate classification (germline): Uncertain significance. Review status: criteria provided, multiple submitters, no conflicts (2 of 4 stars). 2 submissions from 2 submitters: Uncertain significance (2). Last evaluated 2025-07-28.

Conditions:
Familial thoracic aortic aneurysm and aortic dissection (TAAD). Also called: Thoracic aortic aneurysms and dissections. Identifiers: Orphanet 91387, MedGen C4707243, MONDO:0019625.

gnomAD v4.1: 3 of 1,614,194 alleles (0.00019%); highest among the groups gnomAD compares: Non-Finnish European, 0.00025%; no homozygotes.

Submissions (2):

Color Diagnostics, LLC DBA Color Health
Classification: Uncertain significance for Familial thoracic aortic aneurysm and aortic dissection. Last evaluated: 2025-07-28. Review status: criteria provided, single submitter. Criteria: ACMG Guidelines, 2015. Collection method: clinical testing. Allele origin: germline.
Comment: This missense variant replaces alanine with glutamic acid at codon 1211 of the MYH11 protein. Computational prediction suggests that this variant may not impact protein structure and function. To our knowledge, functional studies have not been reported for this variant. This variant has not been reported in individuals affected with MYH11-related disorders in the literature. This variant has not been identified in the general population by the Genome Aggregation Database (gnomAD). The available evidence is insufficient to determine the role of this variant in disease conclusively. Therefore, this variant is classified as a Variant of Uncertain Significance.

All of Us Research Program, National Institutes of Health
Classification: Uncertain significance for Familial thoracic aortic aneurysm and aortic dissection. Last evaluated: 2023-04-03. Review status: criteria provided, single submitter. Criteria: ACMG Guidelines, 2015. Collection method: clinical testing. Allele origin: germline. Inheritance: Autosomal dominant inheritance. Observed: 1 variant allele, 1 heterozygote.
Comment: This missense variant replaces alanine with glutamic acid at codon 1211 of the MYH11 protein. Computational prediction suggests that this variant may not impact protein structure and function (internally defined REVEL score threshold <= 0.5, PMID: 27666373). To our knowledge, functional studies have not been reported for this variant. This variant has not been reported in individuals affected with MYH11-related disorders in the literature. This variant has not been identified in the general population by the Genome Aggregation Database (gnomAD). The available evidence is insufficient to determine the role of this variant in disease conclusively. Therefore, this variant is classified as a Variant of Uncertain Significance.

This study involves interpretation of variants in research participants for the purpose of population health screening. Participant phenotype was not available at the time of variant classification. Additional details can be found in publication PMID: 35346344, PMCID: PMC8962531

NM_002474.3(MYH11):c.3611C>A (p.Ala1204Glu)

Gene: MYH11 (myosin heavy chain 11; minus strand). Cytogenetic location: 16p13.11.
Variant type: single nucleotide variant.
Coding change: c.3611C>A on transcript NM_002474.3 (MANE Select); coding-DNA position 3611, C replaced by A.
Protein change: p.Ala1204Glu; replaces alanine 1204 with glutamic acid.
Molecular consequence: missense variant.
Genome position (GRCh38, 1-based): chr16:15,732,604, G>T on the plus strand (C>A on the coding strand, the complement: MYH11 is on the minus strand). VCF-style: chr16-15732604-G-T. GRCh37 (hg19) VCF-style: chr16-15826461-G-T.
Other names: c.3632C>A, p.Ala1211Glu (NM_001040113.2, NM_001040114.2); c.3611C>A, p.Ala1204Glu (NM_022844.3); short protein forms A1204E, A1211E.
Identifiers: ClinVar variation 3070115 (VCV003070115.2), dbSNP rs772621139, ClinGen allele CA394861054.